The following is an entry in ClinVar:

ClinVar aggregate classification (germline): Uncertain significance. Review status: criteria provided, multiple submitters, no conflicts (2 of 4 stars). 3 submissions from 3 submitters: Uncertain significance (3). Last evaluated 2021-07-15.

Conditions:
Developmental and epileptic encephalopathy, 25 (DEE25). Also called: Developmental and epileptic encephalopathy 25, with amelogenesis imperfecta; Epileptic encephalopathy, early infantile, 25, with amelogenesis imperfecta; Epileptic encephalopathy, early infantile, 25. Identifiers: Orphanet 442835, MedGen C4014621, MONDO:0014392, OMIM 615905.

Allele frequency attached by ClinVar (database versions not stated): gnomAD 0.00001; ESP Exome Variant Server 0.00008; gnomAD exomes below 0.00001; ExAC 0.00001; TOPMed 0.00003.
gnomAD v4.1: 6 of 1,614,098 alleles (0.00037%); highest among the groups gnomAD compares: African/African-American, 0.0067%; no homozygotes.

Submissions (3):

Genome-Nilou Lab
Classification: Uncertain significance for Developmental and epileptic encephalopathy, 25. Last evaluated: 2021-07-15. Review status: criteria provided, single submitter. Criteria: ACMG Guidelines, 2015. Collection method: clinical testing. Allele origin: germline. Affected: no.

GeneDx
Classification: Uncertain significance. Last evaluated: 2020-10-23. Review status: criteria provided, single submitter. Criteria: GeneDx Variant Classification Process June 2021. Collection method: clinical testing. Allele origin: germline. Affected: yes.
Comment: Not observed at a significant frequency in large population cohorts (Lek et al., 2016); In silico analysis supports that this missense variant does not alter protein structure/function; Has not been previously published as pathogenic or benign to our knowledge

Labcorp Genetics (formerly Invitae), Labcorp
Classification: Uncertain significance for Epileptic encephalopathy, early infantile, 25. Last evaluated: 2019-09-24. Review status: criteria provided, single submitter. Criteria: Invitae Variant Classification Sherloc (09022015). Collection method: clinical testing. Allele origin: germline.
Comment: This sequence change replaces phenylalanine with leucine at codon 324 of the SLC13A5 protein (p.Phe324Leu). The phenylalanine residue is weakly conserved and there is a small physicochemical difference between phenylalanine and leucine. This variant is present in population databases (rs146116408, ExAC 0.01%). This variant has not been reported in the literature in individuals with SLC13A5-related conditions. Algorithms developed to predict the effect of missense changes on protein structure and function output the following: SIFT: "Tolerated"; PolyPhen-2: "Benign"; Align-GVGD: "Class C0". The leucine amino acid residue is found in multiple mammalian species, suggesting that this missense change does not adversely affect protein function. These predictions have not been confirmed by published functional studies and their clinical significance is uncertain. In summary, the available evidence is currently insufficient to determine the role of this variant in disease. Therefore, it has been classified as a Variant of Uncertain Significance.

NM_177550.5(SLC13A5):c.970T>C (p.Phe324Leu)

Gene: SLC13A5 (solute carrier family 13 member 5; minus strand). Cytogenetic location: 17p13.1.
Variant type: single nucleotide variant.
Coding change: c.970T>C on transcript NM_177550.5 (MANE Select); coding-DNA position 970, T replaced by C.
Protein change: p.Phe324Leu; replaces phenylalanine 324 with leucine.
Molecular consequence: missense variant.
Genome position (GRCh38, 1-based): chr17:6,695,811, A>G on the plus strand (T>C on the coding strand, the complement: SLC13A5 is on the minus strand). VCF-style: chr17-6695811-A-G. GRCh37 (hg19) VCF-style: chr17-6599130-A-G.
Other names: c.970T>C, p.Phe324Leu (NM_001143838.3); c.919T>C, p.Phe307Leu (NM_001284509.2); c.841T>C, p.Phe281Leu (NM_001284510.2); short protein forms F324L, F281L, F307L.
Identifiers: ClinVar variation 960537 (VCV000960537.5), dbSNP rs146116408, ClinGen allele CA8331561.